The following is an entry in ClinVar:

ClinVar aggregate classification (germline): Uncertain significance (1 of 4 stars; one submission).

Allele frequency attached by ClinVar (database versions not stated): gnomAD 0.00001; gnomAD exomes 0.00001.
gnomAD v4.1: 16 of 1,613,916 alleles (0.00099%); highest among the groups gnomAD compares: Non-Finnish European, 0.0014%; no homozygotes.

Submission:

Labcorp Genetics (formerly Invitae), Labcorp
Classification: Uncertain significance. Last evaluated: 2022-08-31. Review status: criteria provided, single submitter. Criteria: Invitae Variant Classification Sherloc (09022015). Collection method: clinical testing. Allele origin: germline.
Comment: This sequence change replaces threonine, which is neutral and polar, with isoleucine, which is neutral and non-polar, at codon 803 of the HPS3 protein (p.Thr803Ile). This variant is present in population databases (no rsID available, gnomAD 0.007%). This variant has not been reported in the literature in individuals affected with HPS3-related conditions. Algorithms developed to predict the effect of missense changes on protein structure and function output the following: SIFT: "Tolerated"; PolyPhen-2: "Benign"; Align-GVGD: "Class C0". The isoleucine amino acid residue is found in multiple mammalian species, which suggests that this missense change does not adversely affect protein function. In summary, the available evidence is currently insufficient to determine the role of this variant in disease. Therefore, it has been classified as a Variant of Uncertain Significance.

NM_032383.5(HPS3):c.2408C>T (p.Thr803Ile)

Genes: CP (ceruloplasmin; minus strand), HPS3 (HPS3 biogenesis of lysosomal organelles complex 2 subunit 1; plus strand). Cytogenetic location: 3q24.
Variant type: single nucleotide variant.
Coding change: c.2408C>T on transcript NM_032383.5 (MANE Select); coding-DNA position 2408, C replaced by T.
Protein change: p.Thr803Ile; replaces threonine 803 with isoleucine.
Molecular consequence: missense variant. On other transcripts: non-coding transcript variant (1).
Genome position (GRCh38, 1-based): chr3:149,162,805, C>T. VCF-style: chr3-149162805-C-T. GRCh37 (hg19) VCF-style: chr3-148880592-C-T.
Other names: c.1913C>T, p.Thr638Ile (NM_001308258.2); short protein forms T638I, T803I.
Identifiers: ClinVar variation 2159260 (VCV002159260.1), dbSNP rs1217032727, ClinGen allele CA354924500.